The following is an entry in ClinVar:

NM_032043.3(BRIP1):c.1964C>G (p.Pro655Arg)

Gene: BRIP1 (BRCA1 interacting DNA helicase 1; minus strand). Cytogenetic location: 17q23.2.
Variant type: single nucleotide variant.
Coding change: c.1964C>G on transcript NM_032043.3 (MANE Select); coding-DNA position 1964, C replaced by G.
Protein change: p.Pro655Arg; replaces proline 655 with arginine.
Molecular consequence: missense variant.
Genome position (GRCh38, 1-based): chr17:61,776,534, G>C on the plus strand (C>G on the coding strand, the complement: BRIP1 is on the minus strand). VCF-style: chr17-61776534-G-C. GRCh37 (hg19) VCF-style: chr17-59853895-G-C.
Other names: short protein forms P655R.
Identifiers: ClinVar variation 852507 (VCV000852507.12), dbSNP rs767872111, ClinGen allele CA8690611.

ClinVar aggregate classification (germline): Uncertain significance. Review status: criteria provided, multiple submitters, no conflicts (2 of 4 stars). 2 submissions from 2 submitters: Uncertain significance (2). Last evaluated 2024-05-21.

Conditions:
Familial cancer of breast. Also called: hereditary breast carcinoma; BREAST CANCER, FAMILIAL; Hereditary breast cancer. Identifiers: Orphanet 227535, MedGen C0346153, MONDO:0016419, OMIM 114480. Disease mechanism: loss of function.
Fanconi anemia complementation group J. Also called: BRIP1-Related Fanconi Anemia. Identifiers: Orphanet 84, MedGen C1836860, MONDO:0012187, OMIM 609054.

Allele frequency attached by ClinVar (database versions not stated): gnomAD exomes below 0.00001 and 0.00001; ExAC 0.00001.
gnomAD v4.1: 11 of 1,614,046 alleles (0.00068%); highest among the groups gnomAD compares: South Asian, 0.0011%; no homozygotes.

Submissions (2):

Labcorp Genetics (formerly Invitae), Labcorp
Classification: Uncertain significance for Familial cancer of breast; Fanconi anemia complementation group J. Last evaluated: 2024-05-21. Review status: criteria provided, single submitter. Criteria: Invitae Variant Classification Sherloc (09022015). Collection method: clinical testing. Allele origin: germline.
Comment: This sequence change replaces proline, which is neutral and non-polar, with arginine, which is basic and polar, at codon 655 of the BRIP1 protein (p.Pro655Arg). This variant is present in population databases (rs767872111, gnomAD 0.003%). This variant has not been reported in the literature in individuals affected with BRIP1-related conditions. ClinVar contains an entry for this variant (Variation ID: 852507). Advanced modeling of protein sequence and biophysical properties (such as structural, functional, and spatial information, amino acid conservation, physicochemical variation, residue mobility, and thermodynamic stability) performed at Invitae indicates that this missense variant is expected to disrupt BRIP1 protein function with a positive predictive value of 80%. In summary, the available evidence is currently insufficient to determine the role of this variant in disease. Therefore, it has been classified as a Variant of Uncertain Significance.

GeneDx
Classification: Uncertain significance. Last evaluated: 2019-09-26. Review status: criteria provided, single submitter. Criteria: GeneDx Variant Classification Process June 2021. Collection method: clinical testing. Allele origin: germline. Affected: yes.
Comment: Not observed at a significant frequency in large population cohorts (Lek 2016); In silico analysis, which includes protein predictors and evolutionary conservation, supports a deleterious effect; Observed in individuals with breast cancer (Easton 2016); This variant is associated with the following publications: (PMID: 26921362)